The following is an entry in ClinVar:

NM_201563.5(FCGR2C):c.248C>A (p.Pro83Gln)

Gene: FCGR2C (Fc gamma receptor IIc (gene/pseudogene); plus strand). Cytogenetic location: 1q23.3.
Variant type: single nucleotide variant.
Coding change: c.248C>A on transcript NM_201563.5; coding-DNA position 248, C replaced by A.
Protein change: p.Pro83Gln; replaces proline 83 with glutamine.
Molecular consequence: missense variant. On other transcripts: non-coding transcript variant (1).
Genome position (GRCh38, 1-based): chr1:161,589,676, C>A. VCF-style: chr1-161589676-C-A. GRCh37 (hg19) VCF-style: chr1-161559466-C-A.
Other names: short protein forms P83Q.
Identifiers: ClinVar variation 2397613 (VCV002397613.26), dbSNP rs111603147, ClinGen allele CA1211697.

ClinVar aggregate classification (germline): Likely benign. Review status: criteria provided, multiple submitters, no conflicts (2 of 4 stars). 2 submissions from 2 submitters: Likely benign (2). Last evaluated 2023-01-01.

Allele frequency attached by ClinVar (database versions not stated): ESP Exome Variant Server 0.00039.

Submissions (2):

CeGaT Center for Human Genetics Tuebingen
Classification: Likely benign. Last evaluated: 2023-01-01. Review status: criteria provided, single submitter. Criteria: CeGaT Center For Human Genetics Tuebingen Variant Classification Criteria Version 2. Collection method: clinical testing. Allele origin: germline. Affected: yes. Observed: 2 variant alleles.
Comment: FCGR2C: BS2

Ambry Genetics
Classification: Likely benign. Last evaluated: 2021-09-15. Review status: criteria provided, single submitter. Criteria: Ambry Variant Classification Scheme 2023. Collection method: clinical testing. Allele origin: germline.